The following is an entry in ClinVar:

NM_030632.3(ASXL3):c.4080T>A (p.Ile1360=)

Gene: ASXL3 (ASXL transcriptional regulator 3; plus strand). Cytogenetic location: 18q12.1.
Variant type: single nucleotide variant.
Coding change: c.4080T>A on transcript NM_030632.3 (MANE Select); coding-DNA position 4080, T replaced by A.
Protein change: p.Ile1360=; no amino-acid change (isoleucine 1360 retained).
Molecular consequence: synonymous variant.
Genome position (GRCh38, 1-based): chr18:33,743,928, T>A. VCF-style: chr18-33743928-T-A. GRCh37 (hg19) VCF-style: chr18-31323892-T-A.
Identifiers: ClinVar variation 2648652 (VCV002648652.24), dbSNP rs778292189, ClinGen allele CA8934167.

ClinVar aggregate classification (germline): Likely benign (1 of 4 stars; one submission).

Allele frequency attached by ClinVar (database versions not stated): gnomAD 0.00001; ExAC 0.00002.
gnomAD v4.1: 21 of 1,613,940 alleles (0.0013%); highest among the groups gnomAD compares: Middle Eastern, 0.033%; no homozygotes.

Submission:

CeGaT Center for Human Genetics Tuebingen
Classification: Likely benign. Last evaluated: 2026-02-01. Review status: criteria provided, single submitter. Criteria: CeGaT Center For Human Genetics Tuebingen Variant Classification Criteria Version 2. Collection method: clinical testing. Allele origin: germline. Affected: yes. Observed: 2 variant alleles.
Comment: ASXL3: BP4, BP7